The following is an entry in ClinVar:

ClinVar aggregate classification (germline): Benign/Likely benign. Review status: criteria provided, multiple submitters, no conflicts (2 of 4 stars). 19 submissions from 19 submitters: Benign (10); Likely benign (5). 4 of the submissions do not count toward it. Last evaluated 2026-02-04.

Conditions:
Hereditary cancer-predisposing syndrome. Also called: Tumor predisposition; Neoplastic Syndromes, Hereditary; Hereditary neoplastic syndrome; Hereditary Cancer Syndrome. Identifiers: Orphanet 140162, MedGen C0027672, MeSH D009386, MONDO:0015356.
Tuberous sclerosis syndrome (TSC). Also called: Tuberous Sclerosis Complex; Tuberous sclerosis. Identifiers: Orphanet 805, MedGen C0041341, MONDO:0001734.
Tuberous sclerosis 2 (TSC2). Identifiers: Orphanet 805, MedGen C1860707, MONDO:0013199, OMIM 613254.

Allele frequency attached by ClinVar (database versions not stated): gnomAD exomes 0.00426; ExAC 0.01066; gnomAD 0.00010 and 0.00218; ESP Exome Variant Server 0.00015; TOPMed 0.00050; 1000 Genomes Project 30x 0.01421; 1000 Genomes Project 0.01597.
gnomAD v4.1: 6,552 of 1,609,408 alleles (0.41%); highest among the groups gnomAD compares: South Asian, 6.7%; 288 homozygotes.

Submissions (19):

Labcorp Genetics (formerly Invitae), Labcorp
Classification: Benign for Tuberous sclerosis 2. Last evaluated: 2026-02-04. Review status: criteria provided, single submitter. Criteria: Invitae Variant Classification Sherloc (09022015). Collection method: clinical testing. Allele origin: germline.

Myriad Genetics, Inc.
Classification: Benign for Tuberous sclerosis 2. Last evaluated: 2025-06-03. Review status: criteria provided, single submitter. Criteria: Myriad Autosomal Dominant, Autosomal Recessive and X-Linked Classification Criteria (2023). Collection method: clinical testing. Allele origin: unknown.
Comment: This variant is considered benign. This variant is a silent/synonymous amino acid change and it is not expected to impact splicing.

Blueprint Genetics
Classification: Benign. Last evaluated: 2024-11-26. Review status: criteria provided, single submitter. Criteria: ACMG Guidelines, 2015. Collection method: clinical testing. Allele origin: germline.

Women's Health and Genetics/Laboratory Corporation of America, LabCorp
Classification: Benign. Last evaluated: 2024-06-22. Review status: criteria provided, single submitter. Criteria: LabCorp Variant Classification Summary - May 2015. Collection method: clinical testing. Allele origin: germline.

All of Us Research Program, National Institutes of Health
Classification: Benign for Tuberous sclerosis syndrome. Last evaluated: 2024-02-05. Review status: criteria provided, single submitter. Criteria: ACMG Guidelines, 2015. Collection method: clinical testing. Allele origin: germline. Inheritance: Autosomal dominant inheritance. Observed: 190 variant alleles, 182 heterozygotes, 8 homozygotes.
Comment: This study involves interpretation of variants in research participants for the purpose of population health screening. Participant phenotype was not available at the time of variant classification. Additional details can be found in publication PMID: 35346344, PMCID: PMC8962531

KCCC/NGS Laboratory, Kuwait Cancer Control Center
Classification: Benign for Tuberous sclerosis 2. Last evaluated: 2023-07-07. Review status: criteria provided, single submitter. Criteria: ACMG Guidelines, 2015. Collection method: clinical testing. Allele origin: germline. Affected: yes.

Color Diagnostics, LLC DBA Color Health
Classification: Benign for Tuberous sclerosis syndrome. Last evaluated: 2022-09-20. Review status: criteria provided, single submitter. Criteria: ACMG Guidelines, 2015. Collection method: clinical testing. Allele origin: germline.

Department of Pathology and Laboratory Medicine, Sinai Health System
Classification: Benign for Tuberous sclerosis 2. Last evaluated: 2021-11-26. Review status: criteria provided, single submitter. Criteria: ACMG Guidelines, 2015. Collection method: clinical testing. Allele origin: germline. Affected: yes.

Genome-Nilou Lab
Classification: Benign for Tuberous sclerosis 2. Last evaluated: 2021-11-07. Review status: criteria provided, single submitter. Criteria: ACMG Guidelines, 2015. Collection method: clinical testing. Allele origin: germline. Affected: no.

Illumina Laboratory Services, Illumina
Classification: Likely benign for Tuberous sclerosis syndrome. Last evaluated: 2019-02-22. Review status: criteria provided, single submitter. Criteria: ICSL Variant Classification Criteria 13 December 2019. Collection method: clinical testing. Allele origin: germline.
Comment: This variant was observed as part of a predisposition screen in an ostensibly healthy population. A literature search was performed for the gene, cDNA change, and amino acid change (where applicable). No publications were found based on this search. Allele frequency data from public databases allowed determination this variant is unlikely to cause disease. Therefore, this variant is classified as likely benign.

Ambry Genetics
Classification: Likely benign for Hereditary cancer-predisposing syndrome. Last evaluated: 2014-10-10. Review status: criteria provided, single submitter. Criteria: Ambry Variant Classification Scheme 2023. Collection method: clinical testing. Allele origin: germline.

Genetic Services Laboratory, University of Chicago
Classification: Likely benign for AllHighlyPenetrant. Last evaluated: 2013-10-02. Review status: criteria provided, single submitter. Criteria: ACMG Guidelines, 2007. Collection method: clinical testing. Allele origin: germline. Inheritance: Autosomal dominant inheritance.

GeneDx
Classification: Benign. Last evaluated: 2013-01-30. Review status: criteria provided, single submitter. Criteria: GeneDx Variant Classification (06012015). Collection method: clinical testing. Allele origin: germline. Affected: yes.
Comment: This variant is considered likely benign or benign based on one or more of the following criteria: it is a conservative change, it occurs at a poorly conserved position in the protein, it is predicted to be benign by multiple in silico algorithms, and/or has population frequency not consistent with disease.

Breakthrough Genomics
Classification: Likely benign. Review status: criteria provided, single submitter. Criteria: ACMG Guidelines, 2015. Collection method: not provided. Allele origin: germline. Inheritance: Autosomal dominant inheritance. Affected: yes.

PreventionGenetics, part of Exact Sciences
Classification: Likely benign. Review status: criteria provided, single submitter. Criteria: ACMG Guidelines, 2015. Collection method: clinical testing. Allele origin: germline.

Clinical Genetics DNA and cytogenetics Diagnostics Lab, Erasmus MC, Erasmus Medical Center
Classification: Benign. Review status: no assertion criteria provided. Collection method: clinical testing. Allele origin: germline. Affected: yes. Study: VKGL Data-share Consensus. Not counted in ClinVar's aggregate classification.

Clinical Genetics, Academic Medical Center
Classification: Benign. Review status: no assertion criteria provided. Collection method: clinical testing. Allele origin: germline. Affected: yes. Study: VKGL Data-share Consensus. Not counted in ClinVar's aggregate classification.

Genome Diagnostics Laboratory, Amsterdam University Medical Center
Classification: Benign. Review status: no assertion criteria provided. Collection method: clinical testing. Allele origin: germline. Affected: yes. Study: VKGL Data-share Consensus. Not counted in ClinVar's aggregate classification.

Tuberous sclerosis database (TSC2)
No classification provided. Condition: TSC. Review status: no classification provided. Criteria: Tuberous Sclerosis Database Assertion Criteria 2015. Collection method: curation. Allele origin: germline. Affected: yes. Not counted in ClinVar's aggregate classification.

NM_000548.5(TSC2):c.4215C>T (p.Ala1405=)

Gene: TSC2 (TSC complex subunit 2; plus strand). Cytogenetic location: 16p13.3.
Variant type: single nucleotide variant.
Coding change: c.4215C>T on transcript NM_000548.5 (MANE Select); coding-DNA position 4215, C replaced by T.
Protein change: p.Ala1405=; no amino-acid change (alanine 1405 retained).
Molecular consequence: synonymous variant.
Genome position (GRCh38, 1-based): chr16:2,084,437, C>T. VCF-style: chr16-2084437-C-T. GRCh37 (hg19) VCF-style: chr16-2134438-C-T.
Other names: p.A1405A:GCC>GCT; c.4014C>T, p.Ala1338= (NM_001077183.3); c.4146C>T, p.Ala1382= (NM_001114382.3); c.3906C>T, p.Ala1302= (NM_001318827.2); c.3870C>T, p.Ala1290= (NM_001318829.2); c.3483C>T, p.Ala1161= (NM_001318831.2); c.4047C>T, p.Ala1349= (NM_001318832.2); c.4017C>T, p.Ala1339= (NM_001363528.2); and 3 more.
Identifiers: ClinVar variation 49503 (VCV000049503.39), dbSNP rs45517331, ClinGen allele CA020082.